The following is an entry in ClinVar:

NM_001048174.2(MUTYH):c.1339T>C (p.Trp447Arg)

Gene: MUTYH (mutY DNA glycosylase; minus strand). Cytogenetic location: 1p34.1.
Variant type: single nucleotide variant.
Coding change: c.1339T>C on transcript NM_001048174.2 (MANE Select); coding-DNA position 1339, T replaced by C.
Protein change: p.Trp447Arg; replaces tryptophan 447 with arginine.
Molecular consequence: missense variant. On other transcripts: non-coding transcript variant (2).
Genome position (GRCh38, 1-based): chr1:45,331,235, A>G on the plus strand (T>C on the coding strand, the complement: MUTYH is on the minus strand). VCF-style: chr1-45331235-A-G. GRCh37 (hg19) VCF-style: chr1-45796907-A-G.
Other names: c.1339T>C, p.Trp447Arg (NM_001048171.2, NM_001048173.2, NM_001293195.2); c.1342T>C, p.Trp448Arg (NM_001048172.2); c.1423T>C, p.Trp475Arg (NM_001128425.2); c.1384T>C, p.Trp462Arg (NM_001293190.2); c.1372T>C, p.Trp458Arg (NM_001293191.2); c.1063T>C, p.Trp355Arg (NM_001293192.2, NM_001293196.2); c.994T>C, p.Trp332Arg (NM_001350650.2, NM_001350651.2); c.1414T>C, p.Trp472Arg (NM_012222.3); short protein forms W462R, W472R, W448R, W332R, W355R, W447R, W458R, W475R.
Identifiers: ClinVar variation 933734 (VCV000933734.12), dbSNP rs1570364144, ClinGen allele CA340132615.

ClinVar aggregate classification (germline): Conflicting classifications of pathogenicity. Review status: criteria provided, conflicting classifications (1 of 4 stars). 5 submissions from 5 submitters: Likely pathogenic (1); Uncertain significance (4). Last evaluated 2025-08-18.

Conditions:
Hereditary cancer-predisposing syndrome. Also called: Hereditary neoplastic syndrome; Neoplastic Syndromes, Hereditary; Hereditary Cancer Syndrome; Tumor predisposition. Identifiers: Orphanet 140162, MedGen C0027672, MeSH D009386, MONDO:0015356.
Familial adenomatous polyposis 2. Also called: COLORECTAL ADENOMATOUS POLYPOSIS, AUTOSOMAL RECESSIVE; ADENOMAS, MULTIPLE COLORECTAL, AUTOSOMAL RECESSIVE; FAP type 2; MUTYH-related attenuated familial adenomatous polyposis; Adenomas, multiple colorectal; MYH-associated polyposis. Identifiers: Orphanet 220460, Orphanet 247798, MedGen C3272841, MONDO:0012041, OMIM 608456.
Gastric cancer. Also called: Stomach cancer; Malignant tumor of stomach. Identifiers: MedGen C0024623, MeSH D013274, MONDO:0001056, OMIM 613659, HP:0012126.

Submissions (5):

Ambry Genetics
Classification: Likely pathogenic for Hereditary cancer-predisposing syndrome. Last evaluated: 2025-08-18. Review status: criteria provided, single submitter. Criteria: Ambry Variant Classification Scheme 2023. Collection method: clinical testing. Allele origin: germline.
Comment: The p.W475R variant (also known as c.1423T>C), located in coding exon 14 of the MUTYH gene, results from a T to C substitution at nucleotide position 1423. The tryptophan at codon 475 is replaced by arginine, an amino acid with dissimilar properties. In a massively parallel cell-based functional assay testing 7,8-dihydro-8-oxoguanine:adenine (8OG:A) repair activity, a byproduct of oxidative damage, this variant was reported to be non-functional (Hemker SL et al. Am J Hum Genet. Published online July 29, 2025. DOI: 10.1016/j.ajhg.2025.07.005). This amino acid position is highly conserved in available vertebrate species. In addition, this alteration is predicted to be deleterious by in silico analysis. This variant is considered to be rare based on population cohorts in the Genome Aggregation Database (gnomAD). Based on the majority of available evidence to date, this variant is likely to be pathogenic.

Labcorp Genetics (formerly Invitae), Labcorp
Classification: Uncertain significance for Familial adenomatous polyposis 2. Last evaluated: 2024-05-22. Review status: criteria provided, single submitter. Criteria: Invitae Variant Classification Sherloc (09022015). Collection method: clinical testing. Allele origin: germline.
Comment: This sequence change replaces tryptophan, which is neutral and slightly polar, with arginine, which is basic and polar, at codon 475 of the MUTYH protein (p.Trp475Arg). This variant is not present in population databases (gnomAD no frequency). This variant has not been reported in the literature in individuals affected with MUTYH-related conditions. ClinVar contains an entry for this variant (Variation ID: 933734). An algorithm developed to predict the effect of missense changes on protein structure and function (PolyPhen-2) suggests that this variant is likely to be disruptive. In summary, the available evidence is currently insufficient to determine the role of this variant in disease. Therefore, it has been classified as a Variant of Uncertain Significance.

Quest Diagnostics Nichols Institute San Juan Capistrano
Classification: Uncertain significance. Last evaluated: 2023-09-21. Review status: criteria provided, single submitter. Criteria: Quest Diagnostics criteria. Collection method: clinical testing. Allele origin: unknown.
Comment: This variant has not been reported in the published literature. It also has not been reported in large, multi-ethnic general populations (Genome Aggregation Database). Analysis of this variant using bioinformatics tools for the prediction of the effect of amino acid changes on protein structure and function yielded predictions that this variant is damaging. Based on the available information, we are unable to determine the clinical significance of this variant.

Department of Pathology and Laboratory Medicine, Sinai Health System
Classification: Uncertain significance for Familial adenomatous polyposis 2; Gastric cancer. Last evaluated: 2023-03-01. Review status: criteria provided, single submitter. Criteria: ACMG Guidelines, 2015. Collection method: clinical testing. Allele origin: germline. Affected: yes.

Sema4
Classification: Uncertain significance for Hereditary cancer-predisposing syndrome. Last evaluated: 2021-12-09. Review status: criteria provided, single submitter. Criteria: Sema4 Curation Guidelines. Collection method: curation. Allele origin: germline.
Comment: The MUTYH c.1423T>C (p.W475R) variant has not been reported in the literature to our knowledge. It was not observed in the large and broad cohorts of the Genome Aggregation Database (PMID: 32461654). The variant has been reported in ClinVar (Variation ID 933734). In silico tools suggest the impact of the variant on protein function is deleterious, though these predictions have not been confirmed by functional studies. The evidence is insufficient to meet ACMG/AMP criteria for classifying the variant as benign or pathogenic. Thus, the clinical significance of this variant is currently uncertain.

Literature cited by the submitters: PubMed 40738107 (cited by Ambry Genetics).